The following is an entry in ClinVar:

NM_000179.3(MSH6):c.3064G>T (p.Glu1022Ter)

Gene: MSH6 (mutS homolog 6; plus strand). Cytogenetic location: 2p16.3.
Variant type: single nucleotide variant.
Coding change: c.3064G>T on transcript NM_000179.3 (MANE Select); coding-DNA position 3064, G replaced by T.
Protein change: p.Glu1022Ter; replaces glutamic acid 1022 with a stop codon.
Molecular consequence: nonsense.
Genome position (GRCh38, 1-based): chr2:47,801,047, G>T. VCF-style: chr2-47801047-G-T. GRCh37 (hg19) VCF-style: chr2-48028186-G-T.
Other names: c.2674G>T, p.Glu892Ter (NM_001281492.2); c.2158G>T, p.Glu720Ter (NM_001281493.2, NM_001281494.2); short protein forms E1022*, E720*, E892*.
Identifiers: ClinVar variation 428333 (VCV000428333.13), dbSNP rs1114167724, ClinGen allele CA346756531.

ClinVar aggregate classification (germline): Pathogenic. Review status: criteria provided, multiple submitters, no conflicts (2 of 4 stars). 3 submissions from 3 submitters: Pathogenic (3). Last evaluated 2025-05-20.

Conditions:
Lynch syndrome 5 (LYNCH5). Also called: Hereditary non-polyposis colorectal cancer, type 5; Colorectal cancer, hereditary nonpolyposis, type 5. Identifiers: Orphanet 144, MedGen C1833477, MONDO:0013710, OMIM 614350. Disease mechanism: loss of function.
Hereditary cancer-predisposing syndrome. Also called: Hereditary Cancer Syndrome; Neoplastic Syndromes, Hereditary; Hereditary neoplastic syndrome; Tumor predisposition. Identifiers: Orphanet 140162, MedGen C0027672, MeSH D009386, MONDO:0015356.
Hereditary nonpolyposis colorectal neoplasms. Identifiers: MedGen C0009405, MeSH D003123.

Submissions (3):

Ambry Genetics
Classification: Pathogenic for Hereditary cancer-predisposing syndrome. Last evaluated: 2025-05-20. Review status: criteria provided, single submitter. Criteria: Ambry Variant Classification Scheme 2023. Collection method: clinical testing. Allele origin: germline.
Comment: The p.E1022* pathogenic mutation (also known as c.3064G>T), located in coding exon 4 of the MSH6 gene, results from a G to T substitution at nucleotide position 3064. This changes the amino acid from a glutamic acid to a stop codon within coding exon 4. This variant is considered to be rare based on population cohorts in the Genome Aggregation Database (gnomAD). This alteration is expected to result in loss of function by premature protein truncation or nonsense-mediated mRNA decay. As such, this alteration is interpreted as a disease-causing mutation.

Myriad Genetics, Inc.
Classification: Pathogenic for Lynch syndrome 5. Last evaluated: 2023-08-22. Review status: criteria provided, single submitter. Criteria: Myriad Autosomal Dominant, Autosomal Recessive and X-Linked Classification Criteria (2023). Collection method: clinical testing. Allele origin: unknown.
Comment: This variant is considered pathogenic. This variant creates a termination codon and is predicted to result in premature protein truncation.

Labcorp Genetics (formerly Invitae), Labcorp
Classification: Pathogenic for Hereditary nonpolyposis colorectal neoplasms. Last evaluated: 2018-02-14. Review status: criteria provided, single submitter. Criteria: Invitae Variant Classification Sherloc (09022015). Collection method: clinical testing. Allele origin: germline.
Comment: This sequence change creates a premature translational stop signal (p.Glu1022*) in the MSH6 gene. It is expected to result in an absent or disrupted protein product. This variant is not present in population databases (ExAC no frequency). This variant has not been reported in the literature in individuals with MSH6-related disease. ClinVar contains an entry for this variant (Variation ID: 428333). Loss-of-function variants in MSH6 are known to be pathogenic (PMID: 18269114, 24362816). For these reasons, this variant has been classified as Pathogenic.

Literature cited by the submitters: PubMed 18269114 (cited by Labcorp Genetics (formerly Invitae), Labcorp); PubMed 24362816 (cited by Labcorp Genetics (formerly Invitae), Labcorp).